The following is an entry in ClinVar:

NM_000540.3(RYR1):c.4735T>G (p.Phe1579Val)

Gene: RYR1 (ryanodine receptor 1; plus strand). Cytogenetic location: 19q13.2.
Variant type: single nucleotide variant.
Coding change: c.4735T>G on transcript NM_000540.3 (MANE Select); coding-DNA position 4735, T replaced by G.
Protein change: p.Phe1579Val; replaces phenylalanine 1579 with valine.
Molecular consequence: missense variant.
Genome position (GRCh38, 1-based): chr19:38,483,317, T>G. VCF-style: chr19-38483317-T-G. GRCh37 (hg19) VCF-style: chr19-38973957-T-G.
Other names: c.4735T>G, p.Phe1579Val (NM_001042723.2); short protein forms F1579V.
Identifiers: ClinVar variation 5008466 (VCV005008466.1).

ClinVar aggregate classification (germline): Uncertain significance (1 of 4 stars; one submission).

Submission:

GeneDx
Classification: Uncertain significance. Last evaluated: 2026-03-03. Review status: criteria provided, single submitter. Criteria: GeneDx Variant Classification Process June 2021. Collection method: clinical testing. Allele origin: germline.
Comment: Not observed at significant frequency in large population cohorts (gnomAD); In silico analysis supports that this missense variant has a deleterious effect on protein structure/function; Has not been previously published as pathogenic or benign to our knowledge